The following is an entry in ClinVar:

NM_001287.6(CLCN7):c.175A>G (p.Met59Val)

Gene: CLCN7 (chloride voltage-gated channel 7; minus strand). Cytogenetic location: 16p13.3.
Variant type: single nucleotide variant.
Coding change: c.175A>G on transcript NM_001287.6 (MANE Select); coding-DNA position 175, A replaced by G.
Protein change: p.Met59Val; replaces methionine 59 with valine.
Molecular consequence: missense variant. On other transcripts: intron variant (1).
Genome position (GRCh38, 1-based): chr16:1,465,305, T>C on the plus strand (A>G on the coding strand, the complement: CLCN7 is on the minus strand). VCF-style: chr16-1465305-T-C. GRCh37 (hg19) VCF-style: chr16-1515306-T-C.
Other names: c.142-3631A>G (NM_001114331.3); short protein forms M59V.
Identifiers: ClinVar variation 2720524 (VCV002720524.3), dbSNP rs2038990010, ClinGen allele CA394193601.

ClinVar aggregate classification (germline): Uncertain significance (1 of 4 stars; one submission).

gnomAD v4.1: 3 of 1,613,904 alleles (0.00019%); highest among the groups gnomAD compares: East Asian, 0.0022%; no homozygotes.

Submission:

Labcorp Genetics (formerly Invitae), Labcorp
Classification: Uncertain significance. Last evaluated: 2023-06-21. Review status: criteria provided, single submitter. Criteria: Invitae Variant Classification Sherloc (09022015). Collection method: clinical testing. Allele origin: germline.
Comment: This sequence change replaces methionine, which is neutral and non-polar, with valine, which is neutral and non-polar, at codon 59 of the CLCN7 protein (p.Met59Val). This variant is not present in population databases (gnomAD no frequency). This variant has not been reported in the literature in individuals affected with CLCN7-related conditions. Advanced modeling of protein sequence and biophysical properties (such as structural, functional, and spatial information, amino acid conservation, physicochemical variation, residue mobility, and thermodynamic stability) performed at Invitae indicates that this missense variant is not expected to disrupt CLCN7 protein function. In summary, the available evidence is currently insufficient to determine the role of this variant in disease. Therefore, it has been classified as a Variant of Uncertain Significance.